The following is an entry in ClinVar:

ClinVar aggregate classification (germline): Conflicting classifications of pathogenicity. Review status: criteria provided, conflicting classifications (1 of 4 stars). 2 submissions from 2 submitters: Likely pathogenic (1); Uncertain significance (1). Last evaluated 2024-09-20.

Conditions:
Cardiovascular phenotype. Identifiers: MedGen CN230736.
Osteogenesis imperfecta type I (OI1). Also called: OI, TYPE I; OSTEOGENESIS IMPERFECTA TARDA; OSTEOGENESIS IMPERFECTA WITH BLUE SCLERAE; Osteogenesis imperfecta type 1; Lobstein's Disease; Lobstein disease. Identifiers: Orphanet 216796, Orphanet 666, MedGen C0023931, MONDO:0008146, OMIM 166200. Disease mechanism: loss of function.
Ehlers-Danlos syndrome, classic type, 1 (EDSCL1). Also called: EHLERS-DANLOS SYNDROME, GRAVIS TYPE; EHLERS-DANLOS SYNDROME, SEVERE CLASSIC TYPE; Ehlers-Danlos syndrome, type 1; EDS I; Ehlers-Danlos Syndrome, Classic Type, COL5A1-Related. Identifiers: MedGen C0268335, MONDO:0019567, OMIM 130000.

Submissions (2):

Ambry Genetics
Classification: Uncertain significance for Cardiovascular phenotype. Last evaluated: 2024-09-20. Review status: criteria provided, single submitter. Criteria: Ambry Variant Classification Scheme 2023. Collection method: clinical testing. Allele origin: germline.
Comment: The c.3865G>C (p.A1289P) alteration is located in exon 51 (coding exon 51) of the COL1A2 gene. This alteration results from a G to C substitution at nucleotide position 3865, causing the alanine (A) at amino acid position 1289 to be replaced by a proline (P). This variant was not reported in population-based cohorts in the Genome Aggregation Database (gnomAD). This amino acid position is highly conserved in available vertebrate species. This alteration is predicted to be deleterious by in silico analysis. Based on insufficient or conflicting evidence, the clinical significance of this alteration remains unclear.

Labcorp Genetics (formerly Invitae), Labcorp
Classification: Likely pathogenic for Osteogenesis imperfecta type I; Ehlers-Danlos syndrome, classic type, 1. Last evaluated: 2021-12-01. Review status: criteria provided, single submitter. Criteria: Invitae Variant Classification Sherloc (09022015). Collection method: clinical testing. Allele origin: germline.
Comment: This sequence change replaces alanine, which is neutral and non-polar, with proline, which is neutral and non-polar, at codon 1289 of the COL1A2 protein (p.Ala1289Pro). This variant is not present in population databases (gnomAD no frequency). This missense change has been observed in individual(s) with clinical features of autosomal dominant COL1A2-related conditions (Invitae). It has also been observed to segregate with disease in related individuals. Advanced modeling of protein sequence and biophysical properties (such as structural, functional, and spatial information, amino acid conservation, physicochemical variation, residue mobility, and thermodynamic stability) performed at Invitae indicates that this missense variant is expected to disrupt COL1A2 protein function. In summary, the currently available evidence indicates that the variant is pathogenic, but additional data are needed to prove that conclusively. Therefore, this variant has been classified as Likely Pathogenic.

NM_000089.4(COL1A2):c.3865G>C (p.Ala1289Pro)

Gene: COL1A2 (collagen type I alpha 2 chain; plus strand). Cytogenetic location: 7q21.3.
Variant type: single nucleotide variant.
Coding change: c.3865G>C on transcript NM_000089.4 (MANE Select); coding-DNA position 3865, G replaced by C.
Protein change: p.Ala1289Pro; replaces alanine 1289 with proline.
Molecular consequence: missense variant.
Genome position (GRCh38, 1-based): chr7:94,429,341, G>C. VCF-style: chr7-94429341-G-C. GRCh37 (hg19) VCF-style: chr7-94058653-G-C.
Other names: c.3865G>C (NM_000089.3); short protein forms A1289P.
Identifiers: ClinVar variation 1345136 (VCV001345136.7), dbSNP rs759477389, ClinGen allele CA368226923.